The following is an entry in ClinVar:

NM_018051.5(DYNC2I1):c.573+6C>T

Gene: DYNC2I1 (dynein 2 intermediate chain 1; plus strand). Cytogenetic location: 7q36.3.
Variant type: single nucleotide variant.
Coding change: c.573+6C>T on transcript NM_018051.5 (MANE Select); 6 bases into the intron after coding-DNA position 573, C replaced by T.
Molecular consequence: intron variant.
Genome position (GRCh38, 1-based): chr7:158,876,697, C>T. VCF-style: chr7-158876697-C-T. GRCh37 (hg19) VCF-style: chr7-158669388-C-T.
Other names: c.435+6C>T (NM_001350914.2); c.-913+6C>T (NM_001350918.2); c.-794+6C>T (NM_001350917.2); c.-786+6C>T (NM_001350916.2); c.56+6C>T (NM_001350915.2).
Identifiers: ClinVar variation 1000698 (VCV001000698.6), dbSNP rs913915593, ClinGen allele CA170046226.

ClinVar aggregate classification (germline): Uncertain significance (1 of 4 stars; one submission).

Conditions:
Short-rib thoracic dysplasia 8 with or without polydactyly (SRTD8). Also called: SHORT-RIB THORACIC DYSPLASIA 8 WITH POLYDACTYLY. Identifiers: Orphanet 93271, MedGen C3809691, MONDO:0014214, OMIM 615503.

Allele frequency attached by ClinVar (database versions not stated): gnomAD 0.00002; TOPMed below 0.00001.
gnomAD v4.1: 12 of 1,553,506 alleles (0.00077%); highest among the groups gnomAD compares: African/African-American, 0.0028%; no homozygotes.

Submission:

Labcorp Genetics (formerly Invitae), Labcorp
Classification: Uncertain significance for Short-rib thoracic dysplasia 8 with or without polydactyly. Last evaluated: 2021-09-01. Review status: criteria provided, single submitter. Criteria: Invitae Variant Classification Sherloc (09022015). Collection method: clinical testing. Allele origin: germline.
Comment: This sequence change falls in intron 4 of the WDR60 gene. It does not directly change the encoded amino acid sequence of the WDR60 protein. It affects a nucleotide within the consensus splice site of the intron. This variant is not present in population databases (ExAC no frequency). This variant has not been reported in the literature in individuals affected with WDR60-related conditions. Variants that disrupt the consensus splice site are a relatively common cause of aberrant splicing (PMID: 17576681, 9536098). Algorithms developed to predict the effect of sequence changes on RNA splicing suggest that this variant is not likely to affect RNA splicing. In summary, the available evidence is currently insufficient to determine the role of this variant in disease. Therefore, it has been classified as a Variant of Uncertain Significance.

Literature cited by the submitters: PubMed 17576681; PubMed 9536098.